The following is an entry in ClinVar:

NM_000245.4(MET):c.2057_2064del (p.Asn686fs)

Gene: MET (MET proto-oncogene, receptor tyrosine kinase; plus strand). Cytogenetic location: 7q31.2.
Variant type: Deletion.
Coding change: c.2057_2064del on transcript NM_000245.4 (MANE Select); coding-DNA positions 2057 to 2064, 8 bases deleted (ATTCTAGA; older notation c.2057_2064delATTCTAGA).
Protein change: p.Asn686fs; shifts the reading frame from asparagine 686.
Molecular consequence: frameshift variant.
Genome position (GRCh38, 1-based): chr7:116,757,729-116,757,736, ATTCTAGA deleted; deleting any 8 consecutive bases within chr7:116,757,727-116,757,736 gives the same sequence; the c. name uses the placement nearest the transcript's 3' end. VCF-style (leftmost placement, unchanged base first): chr7-116757726-GGAATTCTA-G. GRCh37 (hg19) VCF-style: chr7-116397780-GGAATTCTA-G.
Other names: c.2057_2064del, p.Asn686fs (NM_001127500.3, NM_001324401.3); c.767_774del, p.Asn256fs (NM_001324402.2); short protein forms N256fs, N686fs.
Identifiers: ClinVar variation 4053948 (VCV004053948.1).

ClinVar aggregate classification (germline): Uncertain significance (1 of 4 stars; one submission).

Conditions:
Hereditary cancer-predisposing syndrome. Also called: Neoplastic Syndromes, Hereditary; Tumor predisposition; Hereditary neoplastic syndrome; Hereditary Cancer Syndrome. Identifiers: Orphanet 140162, MedGen C0027672, MeSH D009386, MONDO:0015356.

Submission:

Ambry Genetics
Classification: Uncertain significance for Hereditary cancer-predisposing syndrome. Last evaluated: 2025-05-07. Review status: criteria provided, single submitter. Criteria: Ambry Variant Classification Scheme 2023. Collection method: clinical testing. Allele origin: germline.
Comment: The c.2057_2064delATTCTAGA variant, located in coding exon 7 of the MET gene, results from a deletion of 8 nucleotides at nucleotide positions 2057 to 2064, causing a translational frameshift with a predicted alternate stop codon (p.N686Tfs*20). This alteration is expected to result in loss of function by premature protein truncation or nonsense-mediated mRNA decay. However, loss of function of MET has not been established as a mechanism of disease. Based on the available evidence, the clinical significance of this alteration remains unclear.